The following is an entry in ClinVar:

ClinVar aggregate classification (germline): Uncertain significance. Review status: criteria provided, multiple submitters, no conflicts (2 of 4 stars). 2 submissions from 2 submitters: Uncertain significance (2). Last evaluated 2022-08-01.

Conditions:
Combined immunodeficiency due to DOCK8 deficiency (HIES2). Also called: HIES autosomal recessive; HYPER-IgE SYNDROME 2, AUTOSOMAL RECESSIVE, WITH RECURRENT INFECTIONS; Hyper-IgE recurrent infection syndrome, autosomal recessive; HYPER-IgE RECURRENT INFECTION SYNDROME 2, AUTOSOMAL RECESSIVE; DOCK8 Deficiency. Identifiers: Orphanet 217390, MedGen C4722305, MONDO:0009478, OMIM 243700.

Allele frequency attached by ClinVar (database versions not stated): gnomAD exomes 0.00007 and 0.00012; gnomAD 0.00011; TOPMed 0.00011; ExAC 0.00012; ESP Exome Variant Server 0.00015; 1000 Genomes Project 30x 0.00031; 1000 Genomes Project 0.00040.
gnomAD v4.1: 131 of 1,614,086 alleles (0.0081%); highest among the groups gnomAD compares: Admixed American, 0.028%; no homozygotes.

Submissions (2):

Labcorp Genetics (formerly Invitae), Labcorp
Classification: Uncertain significance for Combined immunodeficiency due to DOCK8 deficiency. Last evaluated: 2022-08-01. Review status: criteria provided, single submitter. Criteria: Invitae Variant Classification Sherloc (09022015). Collection method: clinical testing. Allele origin: germline.
Comment: This sequence change replaces arginine, which is basic and polar, with tryptophan, which is neutral and slightly polar, at codon 1004 of the DOCK8 protein (p.Arg1004Trp). This variant is present in population databases (rs369178263, gnomAD 0.03%). This variant has not been reported in the literature in individuals affected with DOCK8-related conditions. ClinVar contains an entry for this variant (Variation ID: 572491). Algorithms developed to predict the effect of missense changes on protein structure and function (SIFT, PolyPhen-2, Align-GVGD) all suggest that this variant is likely to be tolerated. In summary, the available evidence is currently insufficient to determine the role of this variant in disease. Therefore, it has been classified as a Variant of Uncertain Significance.

Laboratorio de Genetica e Diagnostico Molecular, Hospital Israelita Albert Einstein
Classification: Uncertain significance for Combined immunodeficiency due to DOCK8 deficiency. Last evaluated: 2021-03-26. Review status: criteria provided, single submitter. Criteria: ACMG Guidelines, 2015. Collection method: clinical testing. Allele origin: germline. Affected: yes.
Comment: ACMG classification criteria: BP4

NM_203447.4(DOCK8):c.3010C>T (p.Arg1004Trp)

Gene: DOCK8 (dedicator of cytokinesis 8; plus strand). Cytogenetic location: 9p24.3.
Variant type: single nucleotide variant.
Coding change: c.3010C>T on transcript NM_203447.4 (MANE Select); coding-DNA position 3010, C replaced by T.
Protein change: p.Arg1004Trp; replaces arginine 1004 with tryptophan.
Molecular consequence: missense variant.
Genome position (GRCh38, 1-based): chr9:396,824, C>T. VCF-style: chr9-396824-C-T. GRCh37 (hg19) VCF-style: chr9-396824-C-T.
Other names: c.2710C>T, p.Arg904Trp (NM_001190458.2); c.2806C>T, p.Arg936Trp (NM_001193536.2); short protein forms R1004W, R904W, R936W.
Identifiers: ClinVar variation 572491 (VCV000572491.7), dbSNP rs369178263, ClinGen allele CA4958468.